The following is an entry in ClinVar:

NM_030632.3(ASXL3):c.1864dup (p.Cys622fs)

Gene: ASXL3 (ASXL transcriptional regulator 3; plus strand). Cytogenetic location: 18q12.1.
Variant type: Duplication.
Coding change: c.1864dup on transcript NM_030632.3 (MANE Select); coding-DNA position 1864, one base duplicated (T; older notation c.1864dupT).
Protein change: p.Cys622fs; shifts the reading frame from cysteine 622.
Molecular consequence: frameshift variant.
Genome position (GRCh38, 1-based): chr18:33,739,268, T duplicated. VCF-style (leftmost placement, unchanged base first): chr18-33739267-C-CT. GRCh37 (hg19) VCF-style: chr18-31319231-C-CT.
Other names: short protein forms C622fs.
Identifiers: ClinVar variation 1320131 (VCV001320131.1), dbSNP rs2145413895, ClinGen allele CA2573054653.

ClinVar aggregate classification (germline): Pathogenic (1 of 4 stars; one submission).

Conditions:
Bainbridge-Ropers syndrome. Also called: Severe feeding difficulties-failure to thrive-microcephaly due to ASXL3 deficiency syndrome. Identifiers: Orphanet 352577, MedGen C4750837, MONDO:0014205, OMIM 615485.

Submission:

3billion
Classification: Pathogenic for Bainbridge-Ropers syndrome. Last evaluated: 2021-10-02. Review status: criteria provided, single submitter. Criteria: ACMG Guidelines, 2015. Collection method: clinical testing. Allele origin: germline. Affected: yes. Observed: 1 heterozygote.
Comment: Frameshift: predicted to result in a loss or disruption of normal protein function through nonsense-mediated decay (NMD) or protein truncation. Multiple pathogenic variants are reported downstream of the variant (PVS1_VS). The variant was observed as assumed (i.e. paternity and maternity not confirmed) de novoo (3billion dataset, PM6). It is not observed in the gnomAD v2.1.1 dataset (PM2). Therefore, this variant is classified as pathogenic according to the recommendation of ACMG/AMP guideline.